The following is an entry in ClinVar:

ClinVar aggregate classification (germline): Uncertain significance. Review status: criteria provided, multiple submitters, no conflicts (2 of 4 stars). 2 submissions from 2 submitters: Uncertain significance (2). Last evaluated 2022-03-17.

Conditions:
Joubert syndrome. Also called: Familial aplasia of the vermis; JOUBERT-BOLTSHAUSER SYNDROME. Identifiers: Orphanet 475, MedGen C5979921, MONDO:0018772.
Meckel-Gruber syndrome. Also called: DYSENCEPHALIA SPLANCHNOCYSTICA; GRUBER SYNDROME; Dysencephalia splachnocystica. Identifiers: Orphanet 564, MedGen C0265215, MONDO:0018921.

Allele frequency attached by ClinVar (database versions not stated): TOPMed 0.00001.

Submissions (2):

Labcorp Genetics (formerly Invitae), Labcorp
Classification: Uncertain significance for Joubert syndrome; Meckel-Gruber syndrome. Last evaluated: 2022-03-17. Review status: criteria provided, single submitter. Criteria: Invitae Variant Classification Sherloc (09022015). Collection method: clinical testing. Allele origin: germline.
Comment: This sequence change replaces valine, which is neutral and non-polar, with leucine, which is neutral and non-polar, at codon 112 of the TCTN1 protein (p.Val112Leu). This variant is not present in population databases (gnomAD no frequency). This variant has not been reported in the literature in individuals affected with TCTN1-related conditions. ClinVar contains an entry for this variant (Variation ID: 1037880). Algorithms developed to predict the effect of missense changes on protein structure and function (SIFT, PolyPhen-2, Align-GVGD) all suggest that this variant is likely to be tolerated. In summary, the available evidence is currently insufficient to determine the role of this variant in disease. Therefore, it has been classified as a Variant of Uncertain Significance.

Blueprint Genetics
Classification: Uncertain significance. Last evaluated: 2020-04-24. Review status: criteria provided, single submitter. Criteria: ACMG Guidelines, 2015. Collection method: clinical testing. Allele origin: germline.

NM_001082538.3(TCTN1):c.334G>C (p.Val112Leu)

Gene: TCTN1 (tectonic family member 1; plus strand). Cytogenetic location: 12q24.11.
Variant type: single nucleotide variant.
Coding change: c.334G>C on transcript NM_001082538.3 (MANE Select); coding-DNA position 334, G replaced by C.
Protein change: p.Val112Leu; replaces valine 112 with leucine.
Molecular consequence: missense variant. On other transcripts: 5 prime UTR variant (1), non-coding transcript variant (1).
Genome position (GRCh38, 1-based): chr12:110,619,949, G>C. VCF-style: chr12-110619949-G-C. GRCh37 (hg19) VCF-style: chr12-111057754-G-C.
Other names: c.334G>C, p.Val112Leu (NM_001082537.3, NM_001319680.2, NM_024549.6); c.166G>C, p.Val56Leu (NM_001173975.3, NM_001319682.3); c.154G>C, p.Val52Leu (NM_001173976.2); c.-374G>C (NM_001319681.2); short protein forms V112L, V52L, V56L.
Identifiers: ClinVar variation 1037880 (VCV001037880.5), dbSNP rs1461650187, ClinGen allele CA386701514.